The following is an entry in ClinVar:

ClinVar aggregate classification (germline): Pathogenic. Review status: criteria provided, multiple submitters, no conflicts (2 of 4 stars). 2 submissions from 2 submitters: Pathogenic (2). Last evaluated 2025-04-23.

Conditions:
Cardiovascular phenotype. Identifiers: MedGen CN230736.
Arrhythmogenic right ventricular dysplasia 11. Also called: Arrhythmogenic Right Ventricular Dysplasia/Cardiomyopathy11; ARRHYTHMOGENIC RIGHT VENTRICULAR DYSPLASIA, FAMILIAL, 11; Arrhythmogenic right ventricular dysplasia 11 with mild palmoplantar keratoderma and woolly hair. Identifiers: MedGen C1864850, MONDO:0012506, OMIM 610476.

Submissions (2):

Labcorp Genetics (formerly Invitae), Labcorp
Classification: Pathogenic for Arrhythmogenic right ventricular dysplasia 11. Last evaluated: 2025-04-23. Review status: criteria provided, single submitter. Criteria: Invitae Variant Classification Sherloc (09022015). Collection method: clinical testing. Allele origin: germline.
Comment: This sequence change creates a premature translational stop signal (p.Tyr196Serfs*5) in the DSC2 gene. It is expected to result in an absent or disrupted protein product. Loss-of-function variants in DSC2 are known to be pathogenic (PMID: 23911551). This variant is not present in population databases (gnomAD no frequency). This variant has not been reported in the literature in individuals affected with DSC2-related conditions. ClinVar contains an entry for this variant (Variation ID: 1750194). For these reasons, this variant has been classified as Pathogenic.

Ambry Genetics
Classification: Pathogenic for Cardiovascular phenotype. Last evaluated: 2022-04-14. Review status: criteria provided, single submitter. Criteria: Ambry Variant Classification Scheme 2023. Collection method: clinical testing. Allele origin: germline.
Comment: The c.587_597del11 pathogenic mutation, located in coding exon 5 of the DSC2 gene, results from a deletion of 11 nucleotides at nucleotide positions 587 to 597, causing a translational frameshift with a predicted alternate stop codon (p.Y196Sfs*5). This variant is considered to be rare based on population cohorts in the Genome Aggregation Database (gnomAD). This alteration is expected to result in loss of function by premature protein truncation or nonsense-mediated mRNA decay. As such, this alteration is interpreted as a disease-causing mutation.

Literature cited by the submitters: PubMed 23911551 (cited by Labcorp Genetics (formerly Invitae), Labcorp).

NM_024422.6(DSC2):c.587_597del (p.Tyr196fs)

Gene: DSC2 (desmocollin 2; minus strand). Cytogenetic location: 18q12.1.
Variant type: Deletion.
Coding change: c.587_597del on transcript NM_024422.6 (MANE Select); coding-DNA positions 587 to 597, 11 bases deleted (ATTGTACTCGT).
Protein change: p.Tyr196fs; shifts the reading frame from tyrosine 196.
Molecular consequence: frameshift variant.
Genome position (GRCh38, 1-based): chr18:31,089,472-31,089,482, ACGAGTACAAT deleted on the plus strand (ATTGTACTCGT on the coding strand, the reverse complement: DSC2 is on the minus strand); deleting any 11 consecutive bases within chr18:31,089,472-31,089,484 gives the same sequence; the c. name uses the placement nearest the transcript's 3' end. VCF-style (leftmost placement, unchanged base first): chr18-31089471-GACGAGTACAAT-G. GRCh37 (hg19) VCF-style: chr18-28669434-GACGAGTACAAT-G.
Other names: c.156_166delGTATTGTACTC, p.Tyr53Serfs (NM_001406506.1, NM_001406507.1); c.587_597del, p.Tyr196fs (NM_004949.5); short protein forms Y196fs.
Identifiers: ClinVar variation 1750194 (VCV001750194.3), dbSNP rs2510953750, ClinGen allele CA2580095605.
Genomic context (GRCh38, chr18:31,089,471, plus strand): 5'-AATACAGTACACACATTTTAGACTTTACCTCAAAAGATTCATACTGCTCACGATCTACAG[GACGAGTACAAT>G]ACAAGTTTCCAGTGTCTCTCTCCACATAAAATAAATTCCGAGGTTCTTGGTCAACTCCAG-3'